The following is an entry in ClinVar:

ClinVar aggregate classification (germline): Conflicting classifications of pathogenicity. Review status: criteria provided, conflicting classifications (1 of 4 stars). 6 submissions from 5 submitters: Uncertain significance (5); Likely benign (1). Last evaluated 2025-12-20.

Conditions:
Breast-ovarian cancer, familial, susceptibility to, 2 (BROVCA2). Also called: BRCA2 Hereditary Breast and Ovarian Cancer. Identifiers: Orphanet 145, MedGen C2675520, MONDO:0012933, OMIM 612555. Disease mechanism: loss of function.
Fanconi anemia complementation group D1. Also called: BRCA2-Related Fanconi Anemia. Identifiers: Orphanet 319462, MedGen C1838457, MONDO:0011584, OMIM 605724.
Hereditary cancer-predisposing syndrome. Also called: Hereditary neoplastic syndrome; Neoplastic Syndromes, Hereditary; Hereditary Cancer Syndrome; Tumor predisposition. Identifiers: Orphanet 140162, MedGen C0027672, MeSH D009386, MONDO:0015356.
Hereditary breast ovarian cancer syndrome. Also called: Hereditary breast and ovarian cancer; Hereditary breast and ovarian cancer syndrome (HBOC); Breast and ovarian cancer; BRCA1- and BRCA2-Associated Hereditary Breast and Ovarian Cancer; Hereditary breast and/or ovarian cancer syndrome; Hereditary breast and ovarian cancer syndrome. Identifiers: Orphanet 145, MedGen C0677776, MeSH D061325, MONDO:0003582. Disease mechanism: loss of function.

Allele frequency attached by ClinVar (database versions not stated): gnomAD exomes below 0.00001; gnomAD 0.00001; TOPMed 0.00001.
gnomAD v4.1: 3 of 1,575,592 alleles (0.00019%); highest among the groups gnomAD compares: South Asian, 0.0022%; no homozygotes.

Submissions (6):

Labcorp Genetics (formerly Invitae), Labcorp
Classification: Uncertain significance for Hereditary breast ovarian cancer syndrome. Last evaluated: 2025-12-20. Review status: criteria provided, single submitter. Criteria: Invitae Variant Classification Sherloc (09022015). Collection method: clinical testing. Allele origin: germline.
Comment: This sequence change replaces isoleucine, which is neutral and non-polar, with valine, which is neutral and non-polar, at codon 210 of the BRCA2 protein (p.Ile210Val). This variant is not present in population databases (gnomAD no frequency). This missense change has been observed in individual(s) with breast and ovarian cancer (PMID: 29470806). ClinVar contains an entry for this variant (Variation ID: 569483). Invitae Evidence Modeling of protein sequence and biophysical properties (such as structural, functional, and spatial information, amino acid conservation, physicochemical variation, residue mobility, and thermodynamic stability) indicates that this missense variant is not expected to disrupt BRCA2 protein function with a negative predictive value of 95%. Algorithms developed to predict the effect of sequence changes on RNA splicing suggest that this variant may create or strengthen a splice site. In summary, the available evidence is currently insufficient to determine the role of this variant in disease. Therefore, it has been classified as a Variant of Uncertain Significance.

Ambry Genetics
Classification: Likely benign for Hereditary cancer-predisposing syndrome. Last evaluated: 2025-08-08. Review status: criteria provided, single submitter. Criteria: Ambry Variant Classification Scheme 2023. Collection method: clinical testing. Allele origin: germline.

Quest Diagnostics Nichols Institute San Juan Capistrano
Classification: Uncertain significance. Last evaluated: 2025-05-19. Review status: criteria provided, single submitter. Criteria: Quest Diagnostics criteria. Collection method: clinical testing. Allele origin: unknown.
Comment: The BRCA2 c.628A>G (p.Ile210Val) variant has been reported in the published literature in individuals with breast and/or ovarian cancer (PMID: 29470806 (2018)) and lung cancer (PMID: 29936259 (2018)). This variant has not been reported in large, multi-ethnic general populations (Genome Aggregation Database). Analysis of this variant using bioinformatics tools for the prediction of the effect of amino acid changes on protein structure and function yielded conflicting predictions that this variant is benign or damaging. Based on the available information, we are unable to determine the clinical significance of this variant.

GeneDx
Classification: Uncertain significance. Last evaluated: 2023-09-01. Review status: criteria provided, single submitter. Criteria: GeneDx Variant Classification Process June 2021. Collection method: clinical testing. Allele origin: germline. Affected: yes.
Comment: Not observed at significant frequency in large population cohorts (gnomAD); In silico analysis supports that this missense variant does not alter protein structure/function; In silico analysis supports a deleterious effect on splicing; Observed in a cohort of breast and/or ovarian cancer patients (Singh et al., 2018); Also known as 856A>G; This variant is associated with the following publications: (PMID: 29470806)

Illumina Laboratory Services, Illumina
Classification: Uncertain significance for Fanconi anemia complementation group D1. Last evaluated: 2018-01-13. Review status: criteria provided, single submitter. Criteria: ICSL Variant Classification Criteria 13 December 2019. Collection method: clinical testing. Allele origin: germline.

Illumina Laboratory Services, Illumina
Classification: Uncertain significance for Breast-ovarian cancer, familial, susceptibility to, 2. Last evaluated: 2018-01-13. Review status: criteria provided, single submitter. Criteria: ICSL Variant Classification Criteria 13 December 2019. Collection method: clinical testing. Allele origin: germline.

Literature cited by the submitters: PubMed 29470806 (cited by 3 submitters); PubMed 29936259 (cited by Quest Diagnostics Nichols Institute San Juan Capistrano).

NM_000059.4(BRCA2):c.628A>G (p.Ile210Val)

Gene: BRCA2 (BRCA2 DNA repair associated; plus strand). Cytogenetic location: 13q13.1.
Variant type: single nucleotide variant.
Coding change: c.628A>G on transcript NM_000059.4 (MANE Select); coding-DNA position 628, A replaced by G.
Protein change: p.Ile210Val; replaces isoleucine 210 with valine.
Molecular consequence: missense variant.
Genome position (GRCh38, 1-based): chr13:32,326,610, A>G. VCF-style: chr13-32326610-A-G. GRCh37 (hg19) VCF-style: chr13-32900747-A-G.
Other names: short protein forms I210V.
Identifiers: ClinVar variation 569483 (VCV000569483.20), dbSNP rs1555281106, ClinGen allele CA387758427.